The following is an entry in ClinVar:

ClinVar aggregate classification (germline): Likely pathogenic (1 of 4 stars; one submission).

Submission:

Labcorp Genetics (formerly Invitae), Labcorp
Classification: Likely pathogenic. Last evaluated: 2023-07-11. Review status: criteria provided, single submitter. Criteria: Invitae Variant Classification Sherloc (09022015). Collection method: clinical testing. Allele origin: germline.
Comment: This missense change has been observed in individual(s) with Usher syndrome (PMID: 32141364). Advanced modeling of protein sequence and biophysical properties (such as structural, functional, and spatial information, amino acid conservation, physicochemical variation, residue mobility, and thermodynamic stability) has been performed at Invitae for this missense variant, however the output from this modeling did not meet the statistical confidence thresholds required to predict the impact of this variant on USH2A protein function. This variant disrupts the p.Leu4479 amino acid residue in USH2A. Other variant(s) that disrupt this residue have been determined to be pathogenic (Invitae). This suggests that this residue is clinically significant, and that variants that disrupt this residue are likely to be disease-causing. In summary, the currently available evidence indicates that the variant is pathogenic, but additional data are needed to prove that conclusively. Therefore, this variant has been classified as Likely Pathogenic. This sequence change replaces leucine, which is neutral and non-polar, with arginine, which is basic and polar, at codon 4479 of the USH2A protein (p.Leu4479Arg). This variant is present in population databases (no rsID available, gnomAD 0.007%).

Literature cited by the submitters: PubMed 32141364.

NM_206933.4(USH2A):c.13436T>G (p.Leu4479Arg)

Gene: USH2A (usherin; minus strand). Cytogenetic location: 1q41.
Variant type: single nucleotide variant.
Coding change: c.13436T>G on transcript NM_206933.4 (MANE Select); coding-DNA position 13436, T replaced by G.
Protein change: p.Leu4479Arg; replaces leucine 4479 with arginine.
Molecular consequence: missense variant.
Genome position (GRCh38, 1-based): chr1:215,674,475, A>C on the plus strand (T>G on the coding strand, the complement: USH2A is on the minus strand). VCF-style: chr1-215674475-A-C. GRCh37 (hg19) VCF-style: chr1-215847817-A-C.
Other names: short protein forms L4479R.
Identifiers: ClinVar variation 2971417 (VCV002971417.3), dbSNP rs1204728952, ClinGen allele CA344845241.
Genomic context (GRCh38, chr1:215,674,475, plus strand): 5'-AGAGTAAAATCACGATAGCGTGTTTCCAAGCCTGTATATACAATGGTTCCATCCCTCCTA[A>C]GTTCATAACTTCTGATCTGGCCATTTGGGTTTCTTGGAGGTTTCCAGGTGATTTCTATTG-3'
Protein context (NP_996816.3, residues 4469-4489): NPNGQIRSYE[Leu4479Arg]RRDGTIVYTG